The following is an entry in ClinVar:

ClinVar aggregate classification (germline): Uncertain significance (1 of 4 stars; one submission).

Conditions:
Spastic paraplegia. Identifiers: MedGen C0037772, HP:0001258.

Submission:

Labcorp Genetics (formerly Invitae), Labcorp
Classification: Uncertain significance for Spastic paraplegia. Last evaluated: 2024-02-15. Review status: criteria provided, single submitter. Criteria: Invitae Variant Classification Sherloc (09022015). Collection method: clinical testing. Allele origin: germline.
Comment: This sequence change falls in intron 7 of the KIF5A gene. It does not directly change the encoded amino acid sequence of the KIF5A protein. This variant is not present in population databases (gnomAD no frequency). This variant has not been reported in the literature in individuals affected with KIF5A-related conditions. Experimental studies and prediction algorithms are not available or were not evaluated, and the effect of this variant on mRNA splicing is currently unknown. In summary, the available evidence is currently insufficient to determine the role of this variant in disease. Therefore, it has been classified as a Variant of Uncertain Significance.

NM_004984.4(KIF5A):c.589+19_589+34del

Gene: KIF5A (kinesin family member 5A; plus strand). Cytogenetic location: 12q13.3.
Variant type: Deletion.
Coding change: c.589+19_589+34del on transcript NM_004984.4 (MANE Select); bases 19 to 34 of the intron after coding-DNA position 589, 16 bases deleted (GGATCTCTCGAGTCTG).
Molecular consequence: intron variant.
Genome position (GRCh38, 1-based): chr12:57,567,232-57,567,247, GGATCTCTCGAGTCTG deleted; deleting any 16 consecutive bases within chr12:57,567,231-57,567,247 gives the same sequence; the c. name uses the placement nearest the transcript's 3' end. VCF-style (leftmost placement, unchanged base first): chr12-57567230-GGGGATCTCTCGAGTCT-G. GRCh37 (hg19) VCF-style: chr12-57961013-GGGGATCTCTCGAGTCT-G.
Other names: c.322+19_322+34del (NM_001354705.2).
Identifiers: ClinVar variation 3640705 (VCV003640705.2).